The following is an entry in ClinVar:

ClinVar aggregate classification (germline): Pathogenic/Likely pathogenic. Review status: criteria provided, multiple submitters, no conflicts (2 of 4 stars). 2 submissions from 2 submitters: Pathogenic (1); Likely pathogenic (1). Last evaluated 2025-12-01.

Conditions:
Hereditary cancer-predisposing syndrome. Also called: Neoplastic Syndromes, Hereditary; Hereditary neoplastic syndrome; Tumor predisposition; Hereditary Cancer Syndrome. Identifiers: Orphanet 140162, MedGen C0027672, MeSH D009386, MONDO:0015356.
Cardiovascular phenotype. Identifiers: MedGen CN230736.
Neurofibromatosis, type 1 (NF1). Also called: VON RECKLINGHAUSEN DISEASE; Peripheral type neurofibromatosis; NEUROFIBROMATOSIS, TYPE I, SOMATIC; Neurofibromatosis, type I. Identifiers: Orphanet 636, MedGen C0027831, MONDO:0018975, OMIM 162200. Disease mechanism: loss of function.

Submissions (2):

Ambry Genetics
Classification: Likely pathogenic for Cardiovascular phenotype; Hereditary cancer-predisposing syndrome. Last evaluated: 2025-12-01. Review status: criteria provided, single submitter. Criteria: Ambry Variant Classification Scheme 2023. Collection method: clinical testing. Allele origin: germline.
Comment: The p.S47P variant (also known as c.139T>C), located in coding exon 2 of the NF1 gene, results from a T to C substitution at nucleotide position 139. The serine at codon 47 is replaced by proline, an amino acid with similar properties. This variant has been reported in multiple individuals with features consistent with neurofibromatosis type 1 (NF1) (Evans DG et al. EBioMedicine, 2016 May;7:212-20; Cassiman C et al. Clin Genet, 2017 Apr;91:529-535). This amino acid position is highly conserved in available vertebrate species. In addition, this alteration is predicted to be deleterious by in silico analysis. This variant is considered to be rare based on population cohorts in the Genome Aggregation Database (gnomAD). Based on the majority of available evidence to date, this variant is likely to be pathogenic.

Labcorp Genetics (formerly Invitae), Labcorp
Classification: Pathogenic for Neurofibromatosis, type 1. Last evaluated: 2023-10-28. Review status: criteria provided, single submitter. Criteria: Invitae Variant Classification Sherloc (09022015). Collection method: clinical testing. Allele origin: germline.
Comment: This sequence change replaces serine, which is neutral and polar, with proline, which is neutral and non-polar, at codon 47 of the NF1 protein (p.Ser47Pro). This variant is not present in population databases (gnomAD no frequency). This missense change has been observed in individual(s) with neurofibromatosis type 1 (PMID: 27322474, 27716896). ClinVar contains an entry for this variant (Variation ID: 1073012). Advanced modeling of protein sequence and biophysical properties (such as structural, functional, and spatial information, amino acid conservation, physicochemical variation, residue mobility, and thermodynamic stability) performed at Invitae indicates that this missense variant is expected to disrupt NF1 protein function with a positive predictive value of 95%. For these reasons, this variant has been classified as Pathogenic.

Literature cited by the submitters: PubMed 27322474 (cited by Ambry Genetics and Labcorp Genetics (formerly Invitae), Labcorp); PubMed 27716896 (cited by Ambry Genetics and Labcorp Genetics (formerly Invitae), Labcorp).

NM_001042492.3(NF1):c.139T>C (p.Ser47Pro)

Gene: NF1 (neurofibromin 1; plus strand). Cytogenetic location: 17q11.2.
Variant type: single nucleotide variant.
Coding change: c.139T>C on transcript NM_001042492.3 (MANE Select); coding-DNA position 139, T replaced by C.
Protein change: p.Ser47Pro; replaces serine 47 with proline.
Molecular consequence: missense variant.
Genome position (GRCh38, 1-based): chr17:31,156,061, T>C. VCF-style: chr17-31156061-T-C. GRCh37 (hg19) VCF-style: chr17-29483079-T-C.
Other names: c.139T>C, p.Ser47Pro (NM_000267.4, NM_001128147.3); short protein forms S47P.
Identifiers: ClinVar variation 1073012 (VCV001073012.7), dbSNP rs2143626487, ClinGen allele CA398988437.